The following is an entry in ClinVar:

ClinVar aggregate classification (germline): Likely benign (0 of 4 stars; one submission).

Conditions:
UNC13D-related disorder. Also called: UNC13D-related condition.

Allele frequency attached by ClinVar (database versions not stated): 1000 Genomes Project 30x 0.00047; 1000 Genomes Project 0.00060; TOPMed 0.00110; gnomAD 0.00121.

Submission:

PreventionGenetics, part of Exact Sciences
Classification: Likely benign for UNC13D-related condition. Last evaluated: 2023-12-19. Review status: no assertion criteria provided. Collection method: clinical testing. Allele origin: germline.
Comment: This variant is classified as likely benign based on ACMG/AMP sequence variant interpretation guidelines (Richards et al. 2015 PMID: 25741868, with internal and published modifications).

NM_199242.3(UNC13D):c.117+133C>T

Gene: UNC13D (unc-13 homolog D; minus strand). Cytogenetic location: 17q25.1.
Variant type: single nucleotide variant.
Coding change: c.117+133C>T on transcript NM_199242.3 (MANE Select); 133 bases into the intron after coding-DNA position 117, C replaced by T.
Molecular consequence: intron variant.
Genome position (GRCh38, 1-based): chr17:75,844,088, G>A on the plus strand (C>T on the coding strand, the complement: UNC13D is on the minus strand). VCF-style: chr17-75844088-G-A. GRCh37 (hg19) VCF-style: chr17-73840169-G-A.
Identifiers: ClinVar variation 3045364 (VCV003045364.2), dbSNP rs184676782, ClinGen allele CA294091497.